The following is an entry in ClinVar:

NM_004963.4(GUCY2C):c.2572C>T (p.His858Tyr)

Gene: GUCY2C (guanylate cyclase 2C; minus strand). Cytogenetic location: 12p12.3.
Variant type: single nucleotide variant.
Coding change: c.2572C>T on transcript NM_004963.4 (MANE Select); coding-DNA position 2572, C replaced by T.
Protein change: p.His858Tyr; replaces histidine 858 with tyrosine.
Molecular consequence: missense variant.
Genome position (GRCh38, 1-based): chr12:14,622,034, G>A on the plus strand (C>T on the coding strand, the complement: GUCY2C is on the minus strand). VCF-style: chr12-14622034-G-A. GRCh37 (hg19) VCF-style: chr12-14774968-G-A.
Other names: c.2572C>T (NM_004963.3); short protein forms H858Y.
Identifiers: ClinVar variation 3670231 (VCV003670231.3).

ClinVar aggregate classification (germline): Uncertain significance. Review status: criteria provided, multiple submitters, no conflicts (2 of 4 stars). 2 submissions from 2 submitters: Uncertain significance (2). Last evaluated 2025-11-12.

Conditions:
Inborn genetic diseases. Identifiers: MedGen C0950123, MeSH D030342.

gnomAD v4.1: 31 of 1,606,356 alleles (0.0019%); highest among the groups gnomAD compares: African/African-American, 0.0027%; no homozygotes.

Submissions (2):

Ambry Genetics
Classification: Uncertain significance for Inborn genetic diseases. Last evaluated: 2025-11-12. Review status: criteria provided, single submitter. Criteria: Ambry Variant Classification Scheme 2023. Collection method: clinical testing. Allele origin: germline.

Labcorp Genetics (formerly Invitae), Labcorp
Classification: Uncertain significance. Last evaluated: 2024-12-23. Review status: criteria provided, single submitter. Criteria: Invitae Variant Classification Sherloc (09022015). Collection method: clinical testing. Allele origin: germline.
Comment: This sequence change replaces histidine, which is basic and polar, with tyrosine, which is neutral and polar, at codon 858 of the GUCY2C protein (p.His858Tyr). The frequency data for this variant in the population databases is considered unreliable, as metrics indicate poor data quality at this position in the gnomAD database. This variant has not been reported in the literature in individuals affected with GUCY2C-related conditions. Invitae Evidence Modeling of protein sequence and biophysical properties (such as structural, functional, and spatial information, amino acid conservation, physicochemical variation, residue mobility, and thermodynamic stability) has been performed for this missense variant. However, the output from this modeling did not meet the statistical confidence thresholds required to predict the impact of this variant on GUCY2C protein function. In summary, the available evidence is currently insufficient to determine the role of this variant in disease. Therefore, it has been classified as a Variant of Uncertain Significance.